The following is an entry in ClinVar:

NM_025219.3(DNAJC5):c.*750G>T

Gene: DNAJC5 (DnaJ heat shock protein family (Hsp40) member C5; plus strand). Cytogenetic location: 20q13.33.
Variant type: single nucleotide variant.
Coding change: c.*750G>T on transcript NM_025219.3 (MANE Select); 750 bases downstream of the stop codon, G replaced by T.
Molecular consequence: 3 prime UTR variant.
Genome position (GRCh38, 1-based): chr20:63,932,318, G>T. VCF-style: chr20-63932318-G-T. GRCh37 (hg19) VCF-style: chr20-62563671-G-T.
Identifiers: ClinVar variation 339373 (VCV000339373.7), dbSNP rs140106848, ClinGen allele CA10653388.

ClinVar aggregate classification (germline): Benign/Likely benign. Review status: criteria provided, multiple submitters, no conflicts (2 of 4 stars). 2 submissions from 2 submitters: Benign (1); Likely benign (1). Last evaluated 2018-01-13.

Conditions:
Ceroid lipofuscinosis, neuronal, 4 (Kufs type) (CLN4). Also called: Neuronal ceroid lipofuscinosis 4B; Ceroid lipofuscinosis, neuronal, 4, Parry type. Identifiers: Orphanet 228343, Orphanet 79262, MedGen C1834207, MONDO:0008083, OMIM 162350.

Allele frequency attached by ClinVar (database versions not stated): TOPMed 0.00139; gnomAD 0.00140; 1000 Genomes Project 30x 0.00234; gnomAD exomes 0.00270; 1000 Genomes Project 0.00280.
gnomAD v4.1: 214 of 152,782 alleles (0.14%); highest among the groups gnomAD compares: South Asian, 0.52%; no homozygotes.

Submissions (2):

Illumina Laboratory Services, Illumina
Classification: Benign for Ceroid lipofuscinosis, neuronal, 4 (Kufs type). Last evaluated: 2018-01-13. Review status: criteria provided, single submitter. Criteria: ICSL Variant Classification Criteria 13 December 2019. Collection method: clinical testing. Allele origin: germline.
Comment: This variant was observed in the ICSL laboratory as part of a predisposition screen in an ostensibly healthy population. It had not been previously curated by ICSL or reported in the Human Gene Mutation Database (HGMD: prior to June 1st, 2018), and was therefore a candidate for classification through an automated scoring system. Utilizing variant allele frequency, disease prevalence and penetrance estimates, and inheritance mode, an automated score was calculated to assess if this variant is too frequent to cause the disease. Based on the score and internal cut-off values, a variant classified as benign is not then subjected to further curation. The score for this variant resulted in a classification of benign for this disease.

Breakthrough Genomics
Classification: Likely benign. Review status: criteria provided, single submitter. Criteria: ACMG Guidelines, 2015. Collection method: not provided. Allele origin: germline. Inheritance: Autosomal dominant inheritance. Affected: yes.